The following is an entry in ClinVar:

NM_001193315.2(VIPAS39):c.814G>T (p.Glu272Ter)

Gene: VIPAS39 (VPS33B interacting protein, apical-basolateral polarity regulator, spe-39 homolog; minus strand). Cytogenetic location: 14q24.3.
Variant type: single nucleotide variant.
Coding change: c.814G>T on transcript NM_001193315.2 (MANE Select); coding-DNA position 814, G replaced by T.
Protein change: p.Glu272Ter; replaces glutamic acid 272 with a stop codon.
Molecular consequence: nonsense. On other transcripts: non-coding transcript variant (1), intron variant (2).
Genome position (GRCh38, 1-based): chr14:77,437,830, C>A on the plus strand (G>T on the coding strand, the complement: VIPAS39 is on the minus strand). VCF-style: chr14-77437830-C-A. GRCh37 (hg19) VCF-style: chr14-77904173-C-A.
Other names: c.667G>T, p.Glu223Ter (NM_001193316.2, NM_001400324.1, NM_001400325.1); c.814G>T, p.Glu272Ter (NM_001193317.2, NM_001400326.1, NM_001400330.1 and 6 more transcripts); c.781G>T, p.Glu261Ter (NM_001400327.1); c.721G>T, p.Glu241Ter (NM_001400333.1, NM_001400334.1); c.574G>T, p.Glu192Ter (NM_001400337.1); c.735-1911G>T (NM_001400338.1); c.762+3236G>T (NM_001400339.1); short protein forms E272*, E223*, E241*, E261*, E192*.
Identifiers: ClinVar variation 3658234 (VCV003658234.2).
Genomic context (GRCh38, chr14:77,437,830, plus strand): 5'-GGTATTTATACTTAAAATCATTTTTCCCCCATACTTACCCAACACAGGTTTTAAGAAATT[C>A]TTTTCGTTTGTCAGGGTCCTGAATGTTCAAATGCTCTCGATAATGAGATAGCTACAAAAA-3'

ClinVar aggregate classification (germline): Pathogenic (1 of 4 stars; one submission).

gnomAD v4.1: 1 of 1,614,094 alleles (0.000062%); highest among the groups gnomAD compares: Non-Finnish European, 0.000085%; no homozygotes.

Submission:

Labcorp Genetics (formerly Invitae), Labcorp
Classification: Pathogenic. Last evaluated: 2024-06-29. Review status: criteria provided, single submitter. Criteria: Invitae Variant Classification Sherloc (09022015). Collection method: clinical testing. Allele origin: germline.
Comment: This sequence change creates a premature translational stop signal (p.Glu272*) in the VIPAS39 gene. It is expected to result in an absent or disrupted protein product. Loss-of-function variants in VIPAS39 are known to be pathogenic (PMID: 20190753, 22753090). This variant is not present in population databases (gnomAD no frequency). This variant has not been reported in the literature in individuals affected with VIPAS39-related conditions. For these reasons, this variant has been classified as Pathogenic.

Literature cited by the submitters: PubMed 20190753; PubMed 22753090.